The following is an entry in ClinVar:

NM_003500.4(ACOX2):c.475+4A>C

Gene: ACOX2 (acyl-CoA oxidase 2; minus strand). Cytogenetic location: 3p14.3.
Variant type: single nucleotide variant.
Coding change: c.475+4A>C on transcript NM_003500.4 (MANE Select); 4 bases into the intron after coding-DNA position 475, A replaced by C.
Molecular consequence: intron variant.
Genome position (GRCh38, 1-based): chr3:58,533,990, T>G on the plus strand (A>C on the coding strand, the complement: ACOX2 is on the minus strand). VCF-style: chr3-58533990-T-G. GRCh37 (hg19) VCF-style: chr3-58519717-T-G.
Identifiers: ClinVar variation 2891531 (VCV002891531.3), dbSNP rs759998908, ClinGen allele CA2472401.
Genomic context (GRCh38, chr3:58,533,990, plus strand): 5'-AAATGGGCCCTCTGGAGTTTTGCAGTGCACAACCTAAACACCACACGCAGCAGTCCTAGC[T>G]CACCATGTCCCAACTCTGTCTGTGCATACGTTGCGATGATCTGGATGTTTTTGCAGAGTG-3'

ClinVar aggregate classification (germline): Uncertain significance (1 of 4 stars; one submission).

Allele frequency attached by ClinVar (database versions not stated): gnomAD 0.00003; ExAC 0.00006; gnomAD exomes 0.00004; TOPMed 0.00002.
gnomAD v4.1: 62 of 1,614,016 alleles (0.0038%); highest among the groups gnomAD compares: Middle Eastern, 0.016%; no homozygotes.

Submission:

Labcorp Genetics (formerly Invitae), Labcorp
Classification: Uncertain significance. Last evaluated: 2025-07-05. Review status: criteria provided, single submitter. Criteria: Invitae Variant Classification Sherloc (09022015). Collection method: clinical testing. Allele origin: germline.
Comment: This sequence change falls in intron 4 of the ACOX2 gene. It does not directly change the encoded amino acid sequence of the ACOX2 protein. It affects a nucleotide within the consensus splice site. This variant is present in population databases (rs759998908, gnomAD 0.01%). This variant has not been reported in the literature in individuals affected with ACOX2-related conditions. ClinVar contains an entry for this variant (Variation ID: 2891531). Variants that disrupt the consensus splice site are a relatively common cause of aberrant splicing (PMID: 17576681, 9536098). Algorithms developed to predict the effect of sequence changes on RNA splicing suggest that this variant may disrupt the consensus splice site. In summary, the available evidence is currently insufficient to determine the role of this variant in disease. Therefore, it has been classified as a Variant of Uncertain Significance.

Literature cited by the submitters: PubMed 17576681; PubMed 9536098.